The following is an entry in ClinVar:

ClinVar aggregate classification (germline): Conflicting classifications of pathogenicity. Review status: criteria provided, conflicting classifications (1 of 4 stars). 4 submissions from 4 submitters: Uncertain significance (1); Benign (1); Likely benign (1). 1 of the submissions does not count toward it. Last evaluated 2026-01-15.

Conditions:
CNTNAP2-related disorder. Also called: CNTNAP2-related condition.
Cortical dysplasia-focal epilepsy syndrome (PTHSL1). Also called: Pitt-Hopkins-like syndrome 1. Identifiers: Orphanet 163681, Orphanet 221150, MedGen C2750246, MONDO:0012400, OMIM 610042.

Allele frequency attached by ClinVar (database versions not stated): gnomAD 0.00004 and 0.00005; TOPMed 0.00004; 1000 Genomes Project 30x 0.00016; ESP Exome Variant Server 0.00023.
gnomAD v4.1: 102 of 1,614,160 alleles (0.0063%); highest among the groups gnomAD compares: Admixed American, 0.013%; 1 homozygote.

Submissions (4):

Labcorp Genetics (formerly Invitae), Labcorp
Classification: Likely benign for Cortical dysplasia-focal epilepsy syndrome. Last evaluated: 2026-01-15. Review status: criteria provided, single submitter. Criteria: Invitae Variant Classification Sherloc (09022015). Collection method: clinical testing. Allele origin: germline.

GeneDx
Classification: Benign. Last evaluated: 2014-03-13. Review status: criteria provided, single submitter. Criteria: GeneDx Variant Classification (06012015). Collection method: clinical testing. Allele origin: germline. Affected: yes.
Comment: This variant is considered likely benign or benign based on one or more of the following criteria: it is a conservative change, it occurs at a poorly conserved position in the protein, it is predicted to be benign by multiple in silico algorithms, and/or has population frequency not consistent with disease.

Eurofins Ntd Llc (ga)
Classification: Uncertain significance. Last evaluated: 2013-07-29. Review status: criteria provided, single submitter. Criteria: EGL Classification Definitions 2015. Collection method: clinical testing. Allele origin: germline. Observed: 1 variant allele, 1 heterozygote.

PreventionGenetics, part of Exact Sciences
Classification: Likely benign for CNTNAP2-related condition. Last evaluated: 2023-12-05. Review status: no assertion criteria provided. Collection method: clinical testing. Allele origin: germline. Not counted in ClinVar's aggregate classification.
Comment: This variant is classified as likely benign based on ACMG/AMP sequence variant interpretation guidelines (Richards et al. 2015 PMID: 25741868, with internal and published modifications).

NM_014141.6(CNTNAP2):c.237C>T (p.Ser79=)

Gene: CNTNAP2 (contactin associated protein 2; plus strand). Cytogenetic location: 7q35.
Variant type: single nucleotide variant.
Coding change: c.237C>T on transcript NM_014141.6 (MANE Select); coding-DNA position 237, C replaced by T.
Protein change: p.Ser79=; no amino-acid change (serine 79 retained).
Molecular consequence: synonymous variant.
Genome position (GRCh38, 1-based): chr7:146,839,739, C>T. VCF-style: chr7-146839739-C-T. GRCh37 (hg19) VCF-style: chr7-146536831-C-T.
Other names: p.S79S:AGC>AGT.
Identifiers: ClinVar variation 95563 (VCV000095563.16), dbSNP rs145162968, ClinGen allele CA223101.